The following is an entry in ClinVar:

NM_001374736.1(DST):c.13457C>T (p.Ser4486Leu)

Gene: DST (dystonin; minus strand). Cytogenetic location: 6p12.1.
Variant type: single nucleotide variant.
Coding change: c.13457C>T on transcript NM_001374736.1 (MANE Select); coding-DNA position 13457, C replaced by T.
Protein change: p.Ser4486Leu; replaces serine 4486 with leucine.
Molecular consequence: missense variant.
Genome position (GRCh38, 1-based): chr6:56,572,844, G>A on the plus strand (C>T on the coding strand, the complement: DST is on the minus strand). VCF-style: chr6-56572844-G-A. GRCh37 (hg19) VCF-style: chr6-56437642-G-A.
Other names: c.7100C>T, p.Ser2367Leu (NM_001144769.5); c.6686C>T, p.Ser2229Leu (NM_001144770.2); c.13457C>T, p.Ser4486Leu (NM_001374722.1); c.12824C>T, p.Ser4275Leu (NM_001374729.1); c.6566C>T, p.Ser2189Leu (NM_001374730.1, NM_001386100.1, NM_183380.4); c.13484C>T, p.Ser4495Leu (NM_001374734.1); c.5588C>T, p.Ser1863Leu (NM_015548.5); short protein forms S4495L, S1863L, S2229L, S2189L, S2367L, S4486L, S4275L.
Identifiers: ClinVar variation 2174246 (VCV002174246.4), dbSNP rs1361025605, ClinGen allele CA364527168.

ClinVar aggregate classification (germline): Uncertain significance (1 of 4 stars; one submission).

Conditions:
Hereditary sensory and autonomic neuropathy type 6. Also called: HSAN VI; Neuropathy, hereditary sensory and autonomic, type VI. Identifiers: Orphanet 314381, MedGen C3539003, MONDO:0013839, OMIM 614653.
Epidermolysis bullosa simplex 3, localized or generalized intermediate, with BP230 deficiency (EBS3). Also called: Epidermolysis bullosa simplex due to BP230 deficiency; Epidermolysis bullosa simplex, autosomal recessive 2. Identifiers: Orphanet 412181, MedGen C3809470, MONDO:0014180, OMIM 615425.

Allele frequency attached by ClinVar (database versions not stated): gnomAD 0.00001; gnomAD exomes 0.00001; TOPMed 0.00001.
gnomAD v4.1: 17 of 1,612,624 alleles (0.0011%); highest among the groups gnomAD compares: Non-Finnish European, 0.0014%; no homozygotes.

Submission:

Labcorp Genetics (formerly Invitae), Labcorp
Classification: Uncertain significance for Epidermolysis bullosa simplex 3, localized or generalized intermediate, with BP230 deficiency; Hereditary sensory and autonomic neuropathy type 6. Last evaluated: 2022-02-24. Review status: criteria provided, single submitter. Criteria: Invitae Variant Classification Sherloc (09022015). Collection method: clinical testing. Allele origin: germline.
Comment: In summary, the available evidence is currently insufficient to determine the role of this variant in disease. Therefore, it has been classified as a Variant of Uncertain Significance. This variant has not been reported in the literature in individuals affected with DST-related conditions. This variant is not present in population databases (gnomAD no frequency). This sequence change replaces serine, which is neutral and polar, with leucine, which is neutral and non-polar, at codon 1863 of the DST protein (p.Ser1863Leu). The DST gene has multiple clinically relevant transcripts. This variant occurs in alternate transcript NM_015548.4, and corresponds to NM_001723.5:c.*42673C>T in the primary transcript.